The following is an entry in ClinVar:

ClinVar aggregate classification (germline): Uncertain significance (1 of 4 stars; one submission).

Conditions:
Gastrointestinal stromal tumor. Also called: Gastrointestinal stromal tumor, somatic; Gastrointestinal stroma tumor. Identifiers: Orphanet 44890, MedGen C0238198, MeSH D046152, MONDO:0011719, OMIM 606764, HP:0100723.

gnomAD v4.1: 1 of 1,607,366 alleles (0.000062%); highest among the groups gnomAD compares: Non-Finnish European, 0.000085%; no homozygotes.

Submission:

Labcorp Genetics (formerly Invitae), Labcorp
Classification: Uncertain significance for Gastrointestinal stromal tumor. Last evaluated: 2025-06-29. Review status: criteria provided, single submitter. Criteria: Invitae Variant Classification Sherloc (09022015). Collection method: clinical testing. Allele origin: germline.
Comment: This sequence change affects codon 551 of the PDGFRA mRNA. It is a 'silent' change, meaning that it does not change the encoded amino acid sequence of the PDGFRA protein. This variant also falls at the last nucleotide of exon 11, which is part of the consensus splice site for this exon. This variant is not present in population databases (gnomAD no frequency). This variant has not been reported in the literature in individuals affected with PDGFRA-related conditions. Variants that disrupt the consensus splice site are a relatively common cause of aberrant splicing (PMID: 17576681, 9536098). Algorithms developed to predict the effect of sequence changes on RNA splicing suggest that this variant may disrupt the consensus splice site. In summary, the available evidence is currently insufficient to determine the role of this variant in disease. Therefore, it has been classified as a Variant of Uncertain Significance.

Literature cited by the submitters: PubMed 17576681; PubMed 9536098.

NM_006206.6(PDGFRA):c.1653G>A (p.Gln551=)

Gene: PDGFRA (platelet derived growth factor receptor alpha; plus strand). Cytogenetic location: 4q12.
Variant type: single nucleotide variant.
Coding change: c.1653G>A on transcript NM_006206.6 (MANE Select); coding-DNA position 1653, G replaced by A.
Protein change: p.Gln551=; no amino-acid change (glutamine 551 retained).
Molecular consequence: synonymous variant.
Genome position (GRCh38, 1-based): chr4:54,274,625, G>A. VCF-style: chr4-54274625-G-A. GRCh37 (hg19) VCF-style: chr4-55140792-G-A.
Other names: c.1653G>A, p.Gln551= (NM_001347827.2, NM_001347829.2); c.1728G>A, p.Gln576= (NM_001347828.2); c.1692G>A, p.Gln564= (NM_001347830.2).
Identifiers: ClinVar variation 4722014 (VCV004722014.1).